The following is an entry in ClinVar:

NM_020778.5(ALPK3):c.571_581dup (p.Glu195fs)

Gene: ALPK3 (alpha kinase 3; plus strand). Cytogenetic location: 15q25.3.
Variant type: Duplication.
Coding change: c.571_581dup on transcript NM_020778.5 (MANE Select); coding-DNA positions 571 to 581, 11 bases duplicated (GCAAAGCTGCG).
Protein change: p.Glu195fs; shifts the reading frame from glutamic acid 195.
Molecular consequence: frameshift variant.
Genome position (GRCh38, 1-based): chr15:84,839,850-84,839,860, GCAAAGCTGCG duplicated; duplicating any 11 consecutive bases within chr15:84,839,844-84,839,860 gives the same sequence; the c. name uses the placement nearest the transcript's 3' end. VCF-style (leftmost placement, unchanged base first): chr15-84839843-G-GGCTGCGGCAAA. GRCh37 (hg19) VCF-style: chr15-85383074-G-GGCTGCGGCAAA.
Other names: short protein forms E195fs.
Identifiers: ClinVar variation 1354291 (VCV001354291.8), dbSNP rs2141556264, ClinGen allele CA2573151291.

ClinVar aggregate classification (germline): Pathogenic/Likely pathogenic. Review status: criteria provided, multiple submitters, no conflicts (2 of 4 stars). 2 submissions from 2 submitters: Pathogenic (1); Likely pathogenic (1). Last evaluated 2022-05-12.

Conditions:
Cardiovascular phenotype. Identifiers: MedGen CN230736.

Submissions (2):

Labcorp Genetics (formerly Invitae), Labcorp
Classification: Pathogenic. Last evaluated: 2022-05-12. Review status: criteria provided, single submitter. Criteria: Invitae Variant Classification Sherloc (09022015). Collection method: clinical testing. Allele origin: germline.
Comment: For these reasons, this variant has been classified as Pathogenic. This variant has not been reported in the literature in individuals affected with ALPK3-related conditions. This variant is not present in population databases (gnomAD no frequency). This sequence change creates a premature translational stop signal (p.Glu397Glnfs*37) in the ALPK3 gene. It is expected to result in an absent or disrupted protein product. Loss-of-function variants in ALPK3 are known to be pathogenic (PMID: 21441111, 26846950, 27106955, 34263907).

Ambry Genetics
Classification: Likely pathogenic for Cardiovascular phenotype. Last evaluated: 2021-08-26. Review status: criteria provided, single submitter. Criteria: Ambry Variant Classification Scheme 2023. Collection method: clinical testing. Allele origin: germline.
Comment: The c.1177_1187dup11 variant, located in coding exon 5 of the ALPK3 gene, results from a duplication of GCAAAGCTGCG at nucleotide position 1177, causing a translational frameshift with a predicted alternate stop codon (p.E397Qfs*37). This variant is considered to be rare based on population cohorts in the Genome Aggregation Database (gnomAD). This alteration is expected to result in loss of function by premature protein truncation or nonsense-mediated mRNA decay. Based on the majority of available evidence to date, this variant is likely to be pathogenic.

Literature cited by the submitters: PubMed 21441111 (cited by Labcorp Genetics (formerly Invitae), Labcorp); PubMed 26846950 (cited by Labcorp Genetics (formerly Invitae), Labcorp); PubMed 27106955 (cited by Labcorp Genetics (formerly Invitae), Labcorp); PubMed 34263907 (cited by Labcorp Genetics (formerly Invitae), Labcorp).